The following is an entry in ClinVar:

NM_004818.3(DDX23):c.965A>C (p.Asp322Ala)

Gene: DDX23 (DEAD-box helicase 23; minus strand). Cytogenetic location: 12q13.12.
Variant type: single nucleotide variant.
Coding change: c.965A>C on transcript NM_004818.3 (MANE Select); coding-DNA position 965, A replaced by C.
Protein change: p.Asp322Ala; replaces aspartic acid 322 with alanine.
Molecular consequence: missense variant.
Genome position (GRCh38, 1-based): chr12:48,836,939, T>G on the plus strand (A>C on the coding strand, the complement: DDX23 is on the minus strand). VCF-style: chr12-48836939-T-G. GRCh37 (hg19) VCF-style: chr12-49230722-T-G.
Other names: short protein forms D322A.
Identifiers: ClinVar variation 2504840 (VCV002504840.2), dbSNP rs2498754768, ClinGen allele CA384676182.

ClinVar aggregate classification (germline): Uncertain significance (1 of 4 stars; one submission).

Submission:

GeneDx
Classification: Uncertain significance. Last evaluated: 2026-05-03. Review status: criteria provided, single submitter. Criteria: GeneDx Variant Classification Process June 2021. Collection method: clinical testing. Allele origin: germline.
Comment: Not observed at significant frequency in large population cohorts (gnomAD); In silico analysis supports that this missense variant has a deleterious effect on protein structure/function; Has not been previously published as pathogenic or benign to our knowledge